The following is an entry in ClinVar:

ClinVar aggregate classification (germline): not provided (0 of 4 stars; one submission).

Allele frequency attached by ClinVar (database versions not stated): gnomAD 0.00006 and 0.00030; TOPMed 0.00007; gnomAD exomes 0.00042 and 0.00084; ExAC 0.00087; 1000 Genomes Project 0.00120; 1000 Genomes Project 30x 0.00172.
gnomAD v4.1: 652 of 1,613,494 alleles (0.04%); highest among the groups gnomAD compares: South Asian, 0.64%; 8 homozygotes.

Submission:

Human Evolutionary Genetics, Institut Pasteur
No classification provided. Review status: no classification provided. Collection method: not provided. Allele origin: germline.
ClinVar note: Converted during submission from untested to not provided.

NM_006092.4(NOD1):c.1458C>T (p.Ser486=)

Gene: NOD1 (nucleotide binding oligomerization domain containing 1; minus strand). Cytogenetic location: 7p14.3.
Variant type: single nucleotide variant.
Coding change: c.1458C>T on transcript NM_006092.4 (MANE Select); coding-DNA position 1458, C replaced by T.
Protein change: p.Ser486=; no amino-acid change (serine 486 retained).
Molecular consequence: synonymous variant. On other transcripts: non-coding transcript variant (1).
Genome position (GRCh38, 1-based): chr7:30,451,959, G>A on the plus strand (C>T on the coding strand, the complement: NOD1 is on the minus strand). VCF-style: chr7-30451959-G-A. GRCh37 (hg19) VCF-style: chr7-30491575-G-A.
Other names: c.1458C>T, p.Ser486= (NM_001354849.2).
Identifiers: ClinVar variation 103091 (VCV000103091.2), dbSNP rs199475902, ClinGen allele CA230106.
Genomic context (GRCh38, chr7:30,451,959, plus strand): 5'-GGGGCCCAGCTCCGGCAAAGCCCGCAGGAAGCCCAGCTGCATGTCTCTCTCCTGCAGCCC[G>A]GAGGCCTGCACCTCCTCCTGGGTGAAGACAAAGAGGCTCTTCTCCATGCCCCGGTGGGCC-3'
Protein context (NP_006083.1, residues 476-496): FVFTQEEVQA[Ser486=]GLQERDMQLG